The following is an entry in ClinVar:

ClinVar aggregate classification (germline): Uncertain significance (1 of 4 stars; one submission).

Allele frequency attached by ClinVar (database versions not stated): gnomAD 0.00001.
gnomAD v4.1: 13 of 1,541,954 alleles (0.00084%); highest among the groups gnomAD compares: Admixed American, 0.018%; no homozygotes.

Submission:

Labcorp Genetics (formerly Invitae), Labcorp
Classification: Uncertain significance. Last evaluated: 2025-10-15. Review status: criteria provided, single submitter. Criteria: Invitae Variant Classification Sherloc (09022015). Collection method: clinical testing. Allele origin: germline.
Comment: This sequence change replaces proline, which is neutral and non-polar, with leucine, which is neutral and non-polar, at codon 509 of the PCLO protein (p.Pro509Leu). This variant is present in population databases (no rsID available, gnomAD 0.02%). This variant has not been reported in the literature in individuals affected with PCLO-related conditions. ClinVar contains an entry for this variant (Variation ID: 1980998). An algorithm developed to predict the effect of missense changes on protein structure and function outputs the following: PolyPhen-2: "Possibly Damaging". The leucine amino acid residue is found in multiple mammalian species, which suggests that this missense change does not adversely affect protein function. In summary, the available evidence is currently insufficient to determine the role of this variant in disease. Therefore, it has been classified as a Variant of Uncertain Significance.

NM_033026.6(PCLO):c.1526C>T (p.Pro509Leu)

Gene: PCLO (piccolo presynaptic cytomatrix protein; minus strand). Cytogenetic location: 7q21.11.
Variant type: single nucleotide variant.
Coding change: c.1526C>T on transcript NM_033026.6 (MANE Select); coding-DNA position 1526, C replaced by T.
Protein change: p.Pro509Leu; replaces proline 509 with leucine.
Molecular consequence: missense variant.
Genome position (GRCh38, 1-based): chr7:83,155,115, G>A on the plus strand (C>T on the coding strand, the complement: PCLO is on the minus strand). VCF-style: chr7-83155115-G-A. GRCh37 (hg19) VCF-style: chr7-82784431-G-A.
Other names: c.1526C>T, p.Pro509Leu (NM_014510.3); short protein forms P509L.
Identifiers: ClinVar variation 1980998 (VCV001980998.4), dbSNP rs1430924494, ClinGen allele CA367913928.